The following is an entry in ClinVar:

ClinVar aggregate classification (germline): Uncertain significance (1 of 4 stars; one submission).

Conditions:
Congenital adrenal hyperplasia due to cytochrome P450 oxidoreductase deficiency. Also called: DISORDERED STEROIDOGENESIS DUE TO POR DEFICIENCY. Identifiers: Orphanet 95699, MedGen C1860042, MONDO:0013310, OMIM 613571.

Allele frequency attached by ClinVar (database versions not stated): gnomAD exomes 0.00007 and 0.00008; ESP Exome Variant Server 0.00008; gnomAD 0.00008 and 0.00009; TOPMed 0.00008; ExAC 0.00009.
gnomAD v4.1: 121 of 1,612,470 alleles (0.0075%); highest among the groups gnomAD compares: Middle Eastern, 0.033%; no homozygotes.

Submission:

Labcorp Genetics (formerly Invitae), Labcorp
Classification: Uncertain significance for Congenital adrenal hyperplasia due to cytochrome P450 oxidoreductase deficiency. Last evaluated: 2022-08-02. Review status: criteria provided, single submitter. Criteria: Invitae Variant Classification Sherloc (09022015). Collection method: clinical testing. Allele origin: germline.
Comment: This sequence change replaces proline, which is neutral and non-polar, with leucine, which is neutral and non-polar, at codon 365 of the POR protein (p.Pro365Leu). This variant is present in population databases (rs373022822, gnomAD 0.02%). This variant has not been reported in the literature in individuals affected with POR-related conditions. ClinVar contains an entry for this variant (Variation ID: 1508797). Algorithms developed to predict the effect of missense changes on protein structure and function (SIFT, PolyPhen-2, Align-GVGD) all suggest that this variant is likely to be disruptive. In summary, the available evidence is currently insufficient to determine the role of this variant in disease. Therefore, it has been classified as a Variant of Uncertain Significance.

NM_001395413.1(POR):c.1085C>T (p.Pro362Leu)

Gene: POR (cytochrome p450 oxidoreductase; plus strand). Cytogenetic location: 7q11.23.
Variant type: single nucleotide variant.
Coding change: c.1085C>T on transcript NM_001395413.1 (MANE Select); coding-DNA position 1085, C replaced by T.
Protein change: p.Pro362Leu; replaces proline 362 with leucine.
Molecular consequence: missense variant.
Genome position (GRCh38, 1-based): chr7:75,984,804, C>T. VCF-style: chr7-75984804-C-T. GRCh37 (hg19) VCF-style: chr7-75614122-C-T.
Other names: c.1085C>T, p.Pro362Leu (NM_001367562.3, NM_001382657.2, NM_001382658.3 and 2 more transcripts); c.1139C>T, p.Pro380Leu (NM_001382655.3); short protein forms P362L, P380L.
Identifiers: ClinVar variation 1508797 (VCV001508797.3), dbSNP rs373022822, ClinGen allele CA4303984.